The following is an entry in ClinVar:

ClinVar aggregate classification (germline): Uncertain significance (1 of 4 stars; one submission).

Conditions:
Hereditary cancer-predisposing syndrome. Also called: Neoplastic Syndromes, Hereditary; Tumor predisposition; Hereditary neoplastic syndrome; Hereditary Cancer Syndrome. Identifiers: Orphanet 140162, MedGen C0027672, MeSH D009386, MONDO:0015356.

gnomAD v4.1: 1 of 1,614,162 alleles (0.000062%); no homozygotes.

Submission:

Ambry Genetics
Classification: Uncertain significance for Hereditary cancer-predisposing syndrome. Last evaluated: 2026-07-27. Review status: criteria provided, single submitter. Criteria: Ambry Variant Classification Scheme 2023. Collection method: clinical testing. Allele origin: germline.
Comment: The c.438-13T>A intronic variant results from a T to A substitution 13 nucleotides upstream from coding exon 7 in the BAP1 gene. This nucleotide position is not well conserved in available vertebrate species. In silico splice site analysis predicts that this alteration will result in the creation or strengthening of a novel splice acceptor site; however, direct evidence is insufficient at this time (Ambry internal data). Based on the available evidence, the clinical significance of this variant remains unclear.

NM_004656.4(BAP1):c.438-13T>A

Gene: BAP1 (BRCA1 associated deubiquitinase 1; minus strand). Cytogenetic location: 3p21.1.
Variant type: single nucleotide variant.
Coding change: c.438-13T>A on transcript NM_004656.4 (MANE Select); 13 bases into the intron before coding-DNA position 438, T replaced by A.
Molecular consequence: intron variant.
Genome position (GRCh38, 1-based): chr3:52,407,329, A>T on the plus strand (T>A on the coding strand, the complement: BAP1 is on the minus strand). VCF-style: chr3-52407329-A-T. GRCh37 (hg19) VCF-style: chr3-52441345-A-T.
Other names: c.438-13T>A (NM_001410772.1).
Identifiers: ClinVar variation 5032732 (VCV005032732.1).
Genomic context (GRCh38, chr3:52,407,329, plus strand): 5'-ACTGCACTAAGGCCATTCTGCTTCTCAGGGAGGTGGCGTGGCTCGGGCCTGGGGAAAAAC[A>T]GAGTCAGGGCCCAAAAAATGATACTCCCCCTACTCCCACCCCACATCAGCTCCCACAGCT-3'